The following is an entry in ClinVar:

NM_001365951.3(KIF1B):c.1771G>A (p.Gly591Arg)

Gene: KIF1B (kinesin family member 1B; plus strand). Cytogenetic location: 1p36.22.
Variant type: single nucleotide variant.
Coding change: c.1771G>A on transcript NM_001365951.3 (MANE Select); coding-DNA position 1771, G replaced by A.
Protein change: p.Gly591Arg; replaces glycine 591 with arginine.
Molecular consequence: missense variant.
Genome position (GRCh38, 1-based): chr1:10,295,760, G>A. VCF-style: chr1-10295760-G-A. GRCh37 (hg19) VCF-style: chr1-10355818-G-A.
Other names: c.1771G>A, p.Gly591Arg (NM_001365952.1); c.1633G>A, p.Gly545Arg (NM_001365953.1, NM_015074.3, NM_183416.4); short protein forms G545R, G591R.
Identifiers: ClinVar variation 543291 (VCV000543291.29), dbSNP rs145266399, ClinGen allele CA581072.

ClinVar aggregate classification (germline): Conflicting classifications of pathogenicity. Review status: criteria provided, conflicting classifications (1 of 4 stars). 9 submissions from 9 submitters: Uncertain significance (2); Likely benign (5). 2 of the submissions do not count toward it. Last evaluated 2026-03-31.

Conditions:
Charcot-Marie-Tooth disease type 2. Also called: Charcot-Marie-Tooth type 2. Identifiers: Orphanet 64746, MedGen C0270914, MONDO:0018993.
KIF1B-related disorder. Also called: KIF1B-related condition.
Pheochromocytoma. Also called: MAX-Related Hereditary Paraganglioma-Pheochromocytoma Syndrome. Identifiers: Orphanet 29072, MedGen C0031511, MONDO:0008233, OMIM 171300, HP:0002666.
Charcot-Marie-Tooth disease. Also called: Charcot-Marie-Tooth Neuropathy; Charcot-Marie-Tooth Hereditary Neuropathy. Identifiers: Orphanet 166, MedGen C0007959, MONDO:0015626.
Neuromuscular disease. Also called: Neuromuscular disorder; Neuromyopathy. Identifiers: Orphanet 68381, MedGen C0027868, MeSH D009468, MONDO:0019056.
Adult-onset proximal spinal muscular atrophy, autosomal dominant. Also called: FINKEL LATE-ADULT TYPE SMA; Spinal muscular atrophy, late-onset, finkel type. Identifiers: Orphanet 209335, MedGen C1854058, MONDO:0008453, OMIM 182980.

Allele frequency attached by ClinVar (database versions not stated): 1000 Genomes Project 30x 0.00016; 1000 Genomes Project 0.00020; gnomAD 0.00023 and 0.00024; TOPMed 0.00031; ESP Exome Variant Server 0.00038; ExAC 0.00050; gnomAD exomes 0.00057.
gnomAD v4.1: 400 of 1,612,512 alleles (0.025%); highest among the groups gnomAD compares: Admixed American, 0.19%; no homozygotes.

Submissions (9):

Center for Human Genetics and Genomic Medicine, Uniklinik Rwth Aachen
Classification: Likely benign for Neuromuscular disease. Last evaluated: 2026-03-31. Review status: criteria provided, single submitter. Criteria: ACMG Guidelines, 2015. Collection method: clinical testing. Allele origin: germline. Affected: yes.

Labcorp Genetics (formerly Invitae), Labcorp
Classification: Likely benign for Charcot-Marie-Tooth disease type 2. Last evaluated: 2026-01-24. Review status: criteria provided, single submitter. Criteria: Invitae Variant Classification Sherloc (09022015). Collection method: clinical testing. Allele origin: germline.

CeGaT Center for Human Genetics Tuebingen
Classification: Likely benign. Last evaluated: 2026-01-01. Review status: criteria provided, single submitter. Criteria: CeGaT Center For Human Genetics Tuebingen Variant Classification Criteria Version 2. Collection method: clinical testing. Allele origin: germline. Affected: yes. Observed: 1 variant allele.
Comment: KIF1B: BS1

Molecular Pathology, Peter Maccallum Cancer Centre
Classification: Likely benign for Pheochromocytoma. Last evaluated: 2024-12-14. Review status: criteria provided, single submitter. Criteria: ACMG Guidelines, 2015. Collection method: clinical testing. Allele origin: germline. Inheritance: Autosomal dominant inheritance.

Ambry Genetics
Classification: Likely benign. Last evaluated: 2020-08-20. Review status: criteria provided, single submitter. Criteria: Ambry Variant Classification Scheme 2023. Collection method: clinical testing. Allele origin: germline.

ARUP Laboratories, Molecular Genetics and Genomics, ARUP Laboratories
Classification: Uncertain significance. Last evaluated: 2018-12-17. Review status: criteria provided, single submitter. Criteria: ARUP Molecular Germline Variant Investigation Process. Collection method: clinical testing. Allele origin: germline.
Comment: The KIF1B c.1633G>A; p.Gly545Arg variant (rs145266399), to our knowledge, is not reported in the medical literature but is reported in ClinVar (Variation ID: 543291). This variant is found in the Latino population with an allele frequency of 0.24% (85/35,430 alleles) in the Genome Aggregation Database. The glycine at codon 545 is highly conserved, and computational analyses (SIFT, PolyPhen-2) predict that this variant is deleterious. Due to limited information, the clinical significance of the p.Gly545Arg variant is uncertain at this time.

Molecular Genetics Laboratory, London Health Sciences Centre
Classification: Uncertain significance for Charcot-Marie-Tooth disease. Review status: criteria provided, single submitter. Criteria: ACMG Guidelines, 2015. Collection method: clinical testing. Allele origin: germline. Affected: yes.

PreventionGenetics, part of Exact Sciences
Classification: Likely benign for KIF1B-related condition. Last evaluated: 2021-11-04. Review status: no assertion criteria provided. Collection method: clinical testing. Allele origin: germline. Not counted in ClinVar's aggregate classification.
Comment: This variant is classified as likely benign based on ACMG/AMP sequence variant interpretation guidelines (Richards et al. 2015 PMID: 25741868, with internal and published modifications).

Institute of Human Genetics, Cologne University
Classification: Uncertain significance for Adult-onset proximal spinal muscular atrophy, autosomal dominant. Last evaluated: 2018-04-26. Review status: no assertion criteria provided. Collection method: clinical testing. Allele origin: unknown. Affected: yes. Not counted in ClinVar's aggregate classification.